The following is an entry in ClinVar:

ClinVar aggregate classification (germline): Benign/Likely benign. Review status: criteria provided, multiple submitters, no conflicts (2 of 4 stars). 7 submissions from 7 submitters: Benign (3); Likely benign (3). 1 of the submissions does not count toward it. Last evaluated 2026-04-08.

Conditions:
TECPR2-related disorder. Also called: TECPR2-related condition.
Hereditary spastic paraplegia. Also called: Familial spastic paraparesis. Identifiers: Orphanet 685, MedGen C0037773, MONDO:0019064. Disease mechanism: loss of function.
Hereditary spastic paraplegia 49 (HSAN9). Also called: TECPR2-Related Hereditary Sensory and Autonomic Neuropathy with Intellectual Disability; NEUROPATHY, HEREDITARY SENSORY AND AUTONOMIC, TYPE IX, WITH DEVELOPMENTAL DELAY; Spastic paraplegia 49, autosomal recessive. Identifiers: Orphanet 320385, MedGen C5190860, MONDO:0014016, OMIM 615031.

Allele frequency attached by ClinVar (database versions not stated): gnomAD 0.00331 and 0.00313; gnomAD exomes 0.00348 and 0.00242; 1000 Genomes Project 30x 0.00062; 1000 Genomes Project 0.00080; TOPMed 0.00128; ESP Exome Variant Server 0.00146; ExAC 0.00315.
gnomAD v4.1: 3,997 of 1,613,744 alleles (0.25%); highest among the groups gnomAD compares: Non-Finnish European, 0.19%; 19 homozygotes.

Submissions (7):

PreventionGenetics, part of Exact Sciences
Classification: Benign for TECPR2-related condition. Last evaluated: 2026-04-08. Review status: criteria provided, single submitter. Criteria: ACMG Guidelines, 2015. Collection method: clinical testing. Allele origin: germline.
Comment: This variant is classified as benign based on ACMG/AMP sequence variant interpretation guidelines (Richards et al. 2015 PMID: 25741868, with internal and published modifications).

Labcorp Genetics (formerly Invitae), Labcorp
Classification: Benign for Hereditary spastic paraplegia 49. Last evaluated: 2026-01-28. Review status: criteria provided, single submitter. Criteria: Invitae Variant Classification Sherloc (09022015). Collection method: clinical testing. Allele origin: germline.

CeGaT Center for Human Genetics Tuebingen
Classification: Likely benign. Last evaluated: 2025-03-01. Review status: criteria provided, single submitter. Criteria: CeGaT Center For Human Genetics Tuebingen Variant Classification Criteria Version 2. Collection method: clinical testing. Allele origin: germline. Affected: yes. Observed: 12 variant alleles.
Comment: TECPR2: BP4, BS2

GeneDx
Classification: Benign. Last evaluated: 2019-04-16. Review status: criteria provided, single submitter. Criteria: GeneDx Variant Classification Process June 2021. Collection method: clinical testing. Allele origin: germline. Affected: yes.

Genome Diagnostics Laboratory, The Hospital for Sick Children
Classification: Likely benign for Hereditary spastic paraplegia. Last evaluated: 2018-08-01. Review status: criteria provided, single submitter. Criteria: ACMG Guidelines, 2015. Collection method: clinical testing. Allele origin: germline. Affected: yes.

Breakthrough Genomics
Classification: Likely benign. Review status: criteria provided, single submitter. Criteria: ACMG Guidelines, 2015. Collection method: not provided. Allele origin: germline. Inheritance: Autosomal recessive inheritance. Affected: yes.

Natera, Inc.
Classification: Benign for Autosomal recessive spastic paraplegia type 49. Last evaluated: 2020-09-16. Review status: no assertion criteria provided. Collection method: clinical testing. Allele origin: germline. Not counted in ClinVar's aggregate classification.

NM_014844.5(TECPR2):c.2939G>C (p.Arg980Thr)

Gene: TECPR2 (tectonin beta-propeller repeat containing 2; plus strand). Cytogenetic location: 14q32.31.
Variant type: single nucleotide variant.
Coding change: c.2939G>C on transcript NM_014844.5 (MANE Select); coding-DNA position 2939, G replaced by C.
Protein change: p.Arg980Thr; replaces arginine 980 with threonine.
Molecular consequence: missense variant.
Genome position (GRCh38, 1-based): chr14:102,445,811, G>C. VCF-style: chr14-102445811-G-C. GRCh37 (hg19) VCF-style: chr14-102912148-G-C.
Other names: c.2939G>C, p.Arg980Thr (NM_001172631.3); c.2939G>C (NM_014844.4); short protein forms R980T.
Identifiers: ClinVar variation 415300 (VCV000415300.56), dbSNP rs144147210, ClinGen allele CA7358100.